The following is an entry in ClinVar:

ClinVar aggregate classification (germline): Uncertain significance. Review status: criteria provided, multiple submitters, no conflicts (2 of 4 stars). 6 submissions from 6 submitters: Uncertain significance (4). 2 of the submissions do not count toward it. Last evaluated 2025-04-09.

Conditions:
Myofibrillar myopathy 3 (MFM3). Also called: Muscular dystrophy, proximal, type 1A; Autosomal dominant spheroid body myopathy. Identifiers: Orphanet 266, Orphanet 268129, MedGen C3714934, MONDO:0012215, OMIM 609200.
Inborn genetic diseases. Identifiers: MedGen C0950123, MeSH D030342.

Allele frequency attached by ClinVar (database versions not stated): gnomAD 0.00004; ExAC 0.00005; ESP Exome Variant Server 0.00008; gnomAD exomes 0.00006 and 0.00015; TOPMed 0.00008.
gnomAD v4.1: 211 of 1,612,022 alleles (0.013%); highest among the groups gnomAD compares: Non-Finnish European, 0.018%; no homozygotes.

Submissions (6):

Labcorp Genetics (formerly Invitae), Labcorp
Classification: Uncertain significance for Myofibrillar myopathy 3. Last evaluated: 2025-04-09. Review status: criteria provided, single submitter. Criteria: Invitae Variant Classification Sherloc (09022015). Collection method: clinical testing. Allele origin: germline.
Comment: This sequence change replaces glutamic acid, which is acidic and polar, with lysine, which is basic and polar, at codon 387 of the MYOT protein (p.Glu387Lys). This variant is present in population databases (rs373489115, gnomAD 0.01%). This missense change has been observed in individual(s) with clinical features of MYOT-related conditions (internal data). ClinVar contains an entry for this variant (Variation ID: 657395). Invitae Evidence Modeling of protein sequence and biophysical properties (such as structural, functional, and spatial information, amino acid conservation, physicochemical variation, residue mobility, and thermodynamic stability) indicates that this missense variant is not expected to disrupt MYOT protein function with a negative predictive value of 80%. In summary, the available evidence is currently insufficient to determine the role of this variant in disease. Therefore, it has been classified as a Variant of Uncertain Significance.

GeneDx
Classification: Uncertain significance. Last evaluated: 2024-12-17. Review status: criteria provided, single submitter. Criteria: GeneDx Variant Classification Process June 2021. Collection method: clinical testing. Allele origin: germline. Affected: yes.
Comment: Missense variants in this gene are a common cause of disease and they are underrepresented in the general population; In silico analysis supports that this missense variant has a deleterious effect on protein structure/function; This variant is associated with the following publications: (PMID: 22349301, 35982160)

Ambry Genetics
Classification: Uncertain significance for Inborn genetic diseases. Last evaluated: 2022-07-22. Review status: criteria provided, single submitter. Criteria: Ambry Variant Classification Scheme 2023. Collection method: clinical testing. Allele origin: germline.

Revvity Omics, Revvity
Classification: Uncertain significance for Myofibrillar myopathy 3. Last evaluated: 2021-08-17. Review status: criteria provided, single submitter. Criteria: ACMG Guidelines, 2015. Collection method: clinical testing. Allele origin: germline.

Genome Diagnostics Laboratory, Amsterdam University Medical Center
Classification: Uncertain significance. Review status: no assertion criteria provided. Collection method: clinical testing. Allele origin: germline. Affected: yes. Study: VKGL Data-share Consensus. Not counted in ClinVar's aggregate classification.

Laboratory of Diagnostic Genome Analysis, Leiden University Medical Center (LUMC)
Classification: Uncertain significance. Review status: no assertion criteria provided. Collection method: clinical testing. Allele origin: germline. Affected: yes. Study: VKGL Data-share Consensus. Not counted in ClinVar's aggregate classification.

NM_006790.3(MYOT):c.1159G>A (p.Glu387Lys)

Genes: MYOT (myotilin; plus strand), PKD2L2-DT (PKD2L2 divergent transcript; minus strand). Cytogenetic location: 5q31.2.
Variant type: single nucleotide variant.
Coding change: c.1159G>A on transcript NM_006790.3 (MANE Select); coding-DNA position 1159, G replaced by A.
Protein change: p.Glu387Lys; replaces glutamic acid 387 with lysine.
Molecular consequence: missense variant.
Genome position (GRCh38, 1-based): chr5:137,886,182, G>A. VCF-style: chr5-137886182-G-A. GRCh37 (hg19) VCF-style: chr5-137221871-G-A.
Other names: c.607G>A, p.Glu203Lys (NM_001135940.2); c.814G>A, p.Glu272Lys (NM_001300911.2); short protein forms E203K, E387K, E272K.
Identifiers: ClinVar variation 657395 (VCV000657395.14), dbSNP rs373489115, ClinGen allele CA3423115.